The following is an entry in ClinVar:

ClinVar aggregate classification (germline): Uncertain significance (1 of 4 stars; one submission).

Conditions:
Hereditary cancer-predisposing syndrome. Also called: Neoplastic Syndromes, Hereditary; Tumor predisposition; Hereditary Cancer Syndrome; Hereditary neoplastic syndrome. Identifiers: Orphanet 140162, MedGen C0027672, MeSH D009386, MONDO:0015356.

Submission:

Ambry Genetics
Classification: Uncertain significance for Hereditary cancer-predisposing syndrome. Last evaluated: 2023-11-15. Review status: criteria provided, single submitter. Criteria: Ambry Variant Classification Scheme 2023. Collection method: clinical testing. Allele origin: germline.
Comment: The p.M1144I variant (also known as c.3432G>C), located in coding exon 5 of the MSH6 gene, results from a G to C substitution at nucleotide position 3432. The methionine at codon 1144 is replaced by isoleucine, an amino acid with highly similar properties. This amino acid position is not well conserved in available vertebrate species. In addition, the in silico prediction for this alteration is inconclusive. Since supporting evidence is limited at this time, the clinical significance of this alteration remains unclear.

NM_000179.3(MSH6):c.3432G>C (p.Met1144Ile)

Gene: MSH6 (mutS homolog 6; plus strand). Cytogenetic location: 2p16.3.
Variant type: single nucleotide variant.
Coding change: c.3432G>C on transcript NM_000179.3 (MANE Select); coding-DNA position 3432, G replaced by C.
Protein change: p.Met1144Ile; replaces methionine 1144 with isoleucine.
Molecular consequence: missense variant.
Genome position (GRCh38, 1-based): chr2:47,803,679, G>C. VCF-style: chr2-47803679-G-C. GRCh37 (hg19) VCF-style: chr2-48030818-G-C.
Other names: c.3042G>C, p.Met1014Ile (NM_001281492.2); c.2526G>C, p.Met842Ile (NM_001281493.2, NM_001281494.2, NM_001406811.1 and 6 more transcripts); c.3528G>C, p.Met1176Ile (NM_001406795.1, NM_001406802.1); c.3432G>C, p.Met1144Ile (NM_001406796.1, NM_001406800.1, NM_001406808.1 and 1 more transcripts); c.3135G>C, p.Met1045Ile (NM_001406797.1, NM_001406801.1, NM_001406805.1 and 10 more transcripts); c.3258G>C, p.Met1086Ile (NM_001406798.1); c.2907G>C, p.Met969Ile (NM_001406799.1, NM_001406806.1, NM_001406807.1); c.2568G>C, p.Met856Ile (NM_001406803.1); and 7 more; short protein forms M1014I, M1144I, M1176I, M969I, M842I, M1045I, M1086I, M1088I.
Identifiers: ClinVar variation 1731395 (VCV001731395.2), dbSNP rs2104486603, ClinGen allele CA346758958.